The following is an entry in ClinVar:

ClinVar aggregate classification (germline): Uncertain significance (1 of 4 stars; one submission).

Conditions:
Inborn genetic diseases. Identifiers: MedGen C0950123, MeSH D030342.

Submission:

Ambry Genetics
Classification: Uncertain significance for Inborn genetic diseases. Last evaluated: 2025-02-10. Review status: criteria provided, single submitter. Criteria: Ambry Variant Classification Scheme 2023. Collection method: clinical testing. Allele origin: germline.
Comment: The p.P65L variant (also known as c.194C>T), located in coding exon 2 of the ERCC6L2 gene, results from a C to T substitution at nucleotide position 194. The proline at codon 65 is replaced by leucine, an amino acid with similar properties. This amino acid position is conserved. In addition, this alteration is predicted to be tolerated by in silico analysis. Based on the available evidence, the clinical significance of this variant remains unclear.

NM_020207.7(ERCC6L2):c.194C>T (p.Pro65Leu)

Gene: ERCC6L2 (ERCC excision repair 6 like 2; plus strand). Cytogenetic location: 9q22.32.
Variant type: single nucleotide variant.
Coding change: c.194C>T on transcript NM_020207.7 (MANE Select); coding-DNA position 194, C replaced by T.
Protein change: p.Pro65Leu; replaces proline 65 with leucine.
Molecular consequence: missense variant. On other transcripts: non-coding transcript variant (1).
Genome position (GRCh38, 1-based): chr9:95,881,016, C>T. VCF-style: chr9-95881016-C-T. GRCh37 (hg19) VCF-style: chr9-98643298-C-T.
Other names: c.194C>T, p.Pro65Leu (NM_001010895.4, NM_001375291.1, NM_001375292.1 and 2 more transcripts); short protein forms P65L.
Identifiers: ClinVar variation 3845927 (VCV003845927.1).